The following is an entry in ClinVar:

NM_001430.5(EPAS1):c.1660G>C (p.Glu554Gln)

Gene: EPAS1 (endothelial PAS domain protein 1; plus strand). Cytogenetic location: 2p21.
Variant type: single nucleotide variant.
Coding change: c.1660G>C on transcript NM_001430.5 (MANE Select); coding-DNA position 1660, G replaced by C.
Protein change: p.Glu554Gln; replaces glutamic acid 554 with glutamine.
Molecular consequence: missense variant.
Genome position (GRCh38, 1-based): chr2:46,380,332, G>C. VCF-style: chr2-46380332-G-C. GRCh37 (hg19) VCF-style: chr2-46607471-G-C.
Other names: short protein forms E554Q.
Identifiers: ClinVar variation 2450301 (VCV002450301.2), dbSNP rs2103672382, ClinGen allele CA346704608.

ClinVar aggregate classification (germline): Uncertain significance (1 of 4 stars; one submission).

Conditions:
Inborn genetic diseases. Identifiers: MedGen C0950123, MeSH D030342.

Submission:

Ambry Genetics
Classification: Uncertain significance for Inborn genetic diseases. Last evaluated: 2022-12-09. Review status: criteria provided, single submitter. Criteria: Ambry Variant Classification Scheme 2023. Collection method: clinical testing. Allele origin: germline.
Comment: The p.E554Q variant (also known as c.1660G>C), located in coding exon 12 of the EPAS1 gene, results from a G to C substitution at nucleotide position 1660. The glutamic acid at codon 554 is replaced by glutamine, an amino acid with highly similar properties. This amino acid position is conserved. In addition, this alteration is predicted to be tolerated by in silico analysis. Since supporting evidence is limited at this time, the clinical significance of this alteration remains unclear.